The following is an entry in ClinVar:

ClinVar aggregate classification (germline): Uncertain significance (1 of 4 stars; one submission).

Submission:

Labcorp Genetics (formerly Invitae), Labcorp
Classification: Uncertain significance. Last evaluated: 2024-02-02. Review status: criteria provided, single submitter. Criteria: Invitae Variant Classification Sherloc (09022015). Collection method: clinical testing. Allele origin: germline.
Comment: This sequence change replaces alanine, which is neutral and non-polar, with valine, which is neutral and non-polar, at codon 4 of the POLD2 protein (p.Ala4Val). The frequency data for this variant in the population databases is considered unreliable, as metrics indicate poor data quality at this position in the gnomAD database. This variant has not been reported in the literature in individuals affected with POLD2-related conditions. Algorithms developed to predict the effect of missense changes on protein structure and function output the following: SIFT: "Not Available"; PolyPhen-2: "Not Available"; Align-GVGD: "Not Available". The valine amino acid residue is found in multiple mammalian species, which suggests that this missense change does not adversely affect protein function. In summary, the available evidence is currently insufficient to determine the role of this variant in disease. Therefore, it has been classified as a Variant of Uncertain Significance.

NC_000007.14:g.44123549G>A

Gene: POLD2 (DNA polymerase delta 2, accessory subunit; minus strand). Cytogenetic location: 7p13.
Variant type: single nucleotide variant.
Genome position: GRCh38 VCF-style: chr7-44123549-G-A. GRCh37 (hg19) VCF-style: chr7-44163148-G-A.
Identifiers: ClinVar variation 3674988 (VCV003674988.2).